The following is an entry in ClinVar:

ClinVar aggregate classification (germline): Uncertain significance (1 of 4 stars; one submission).

Submission:

Ambry Genetics
Classification: Uncertain significance. Last evaluated: 2022-04-07. Review status: criteria provided, single submitter. Criteria: Ambry Variant Classification Scheme 2023. Collection method: clinical testing. Allele origin: germline.
Comment: The p.K3449T variant (also known as c.10346A>C), located in coding exon 73 of the PRKDC gene, results from an A to C substitution at nucleotide position 10346. The lysine at codon 3449 is replaced by threonine, an amino acid with similar properties. This amino acid position is conserved. In addition, this alteration is predicted to be tolerated by in silico analysis. Since supporting evidence is limited at this time, the clinical significance of this alteration remains unclear.

NM_006904.7(PRKDC):c.10346A>C (p.Lys3449Thr)

Gene: PRKDC (protein kinase, DNA-activated, catalytic subunit; minus strand). Cytogenetic location: 8q11.21.
Variant type: single nucleotide variant.
Coding change: c.10346A>C on transcript NM_006904.7 (MANE Select); coding-DNA position 10346, A replaced by C.
Protein change: p.Lys3449Thr; replaces lysine 3449 with threonine.
Molecular consequence: missense variant.
Genome position (GRCh38, 1-based): chr8:47,798,349, T>G on the plus strand (A>C on the coding strand, the complement: PRKDC is on the minus strand). VCF-style: chr8-47798349-T-G. GRCh37 (hg19) VCF-style: chr8-48710910-T-G.
Other names: c.10346A>C, p.Lys3449Thr (NM_001081640.2); short protein forms K3449T.
Identifiers: ClinVar variation 1772005 (VCV001772005.2), dbSNP rs2551862541, ClinGen allele CA371135018.